The following is an entry in ClinVar:

ClinVar aggregate classification (germline): Uncertain significance. Review status: criteria provided, multiple submitters, no conflicts (2 of 4 stars). 5 submissions from 5 submitters: Uncertain significance (5). Last evaluated 2026-07-31.

Conditions:
Inborn genetic diseases. Identifiers: MedGen C0950123, MeSH D030342.
Acrocallosal syndrome (ACLS). Also called: Schinzel syndrome 1; Absence of corpus callosum with unusual facial appearance, mental deficiency, duplication of the halluces and polydactyly; HALLUX DUPLICATION, POSTAXIAL POLYDACTYLY, AND ABSENCE OF CORPUS CALLOSUM. Identifiers: Orphanet 36, MedGen C0796147, MONDO:0008708, OMIM 200990.
Multiple epiphyseal dysplasia, Al-Gazali type. Also called: Macrocephaly with multiple epiphyseal dysplasia and distinctive facies. Identifiers: Orphanet 166024, MedGen C1846722, MONDO:0011778, OMIM 607131.
Hydrolethalus syndrome 2 (HLS2). Identifiers: Orphanet 2189, MedGen C3279899, MONDO:0013585, OMIM 614120.

Allele frequency attached by ClinVar (database versions not stated): gnomAD 0.00004 and 0.00005; ExAC 0.00006; gnomAD exomes 0.00008; TOPMed 0.00010; ESP Exome Variant Server 0.00015; 1000 Genomes Project 0.00040; 1000 Genomes Project 30x 0.00047.
gnomAD v4.1: 124 of 1,608,984 alleles (0.0077%); highest among the groups gnomAD compares: East Asian, 0.02%; 1 homozygote.

Submissions (6):

GeneDx
Classification: Uncertain significance. Last evaluated: 2026-07-31. Review status: criteria provided, single submitter. Criteria: GeneDx Variant Classification Process June 2021. Collection method: clinical testing. Allele origin: germline.
Comment: Reported previously in a patient with left transposition of the great arteries and ventricular septal defect who also has a variant in MEGF8 (PMID: 40543504); In silico analysis supports that this missense variant has a deleterious effect on protein structure/function; This variant is associated with the following publications: (PMID: 40543504)

Labcorp Genetics (formerly Invitae), Labcorp
Classification: Uncertain significance for Acrocallosal syndrome. Last evaluated: 2024-10-26. Review status: criteria provided, single submitter. Criteria: Invitae Variant Classification Sherloc (09022015). Collection method: clinical testing. Allele origin: germline.
Comment: This sequence change replaces arginine, which is basic and polar, with tryptophan, which is neutral and slightly polar, at codon 939 of the KIF7 protein (p.Arg939Trp). This variant is present in population databases (rs142786336, gnomAD 0.04%). This variant has not been reported in the literature in individuals affected with KIF7-related conditions. ClinVar contains an entry for this variant (Variation ID: 531998). Invitae Evidence Modeling of protein sequence and biophysical properties (such as structural, functional, and spatial information, amino acid conservation, physicochemical variation, residue mobility, and thermodynamic stability) has been performed for this missense variant. However, the output from this modeling did not meet the statistical confidence thresholds required to predict the impact of this variant on KIF7 protein function. In summary, the available evidence is currently insufficient to determine the role of this variant in disease. Therefore, it has been classified as a Variant of Uncertain Significance.

Blueprint Genetics
Classification: Uncertain significance. Last evaluated: 2024-10-09. Review status: criteria provided, single submitter. Criteria: ACMG Guidelines, 2015. Collection method: clinical testing. Allele origin: germline.

Fulgent Genetics
Classification: Uncertain significance for Acrocallosal syndrome; Multiple epiphyseal dysplasia, Al-Gazali type; Hydrolethalus syndrome 2. Last evaluated: 2024-06-12. Review status: criteria provided, single submitter. Criteria: ACMG Guidelines, 2015. Collection method: clinical testing. Allele origin: germline.

Ambry Genetics
Classification: Uncertain significance for Inborn genetic diseases. Last evaluated: 2024-05-14. Review status: criteria provided, single submitter. Criteria: Ambry Variant Classification Scheme 2023. Collection method: clinical testing. Allele origin: germline.

Dr. Peter K. Rogan Lab, Western University
No classification provided (evidence only). Condition: Malignant tumor of esophagus. Review status: no classification provided. Collection method: in vitro. Allele origin: not applicable. Functional consequence: retained intron. Not counted in ClinVar's aggregate classification.

NM_198525.3(KIF7):c.2815C>T (p.Arg939Trp)

Gene: KIF7 (kinesin family member 7; minus strand). Cytogenetic location: 15q26.1.
Variant type: single nucleotide variant.
Coding change: c.2815C>T on transcript NM_198525.3 (MANE Select); coding-DNA position 2815, C replaced by T.
Protein change: p.Arg939Trp; replaces arginine 939 with tryptophan.
Molecular consequence: missense variant.
Genome position (GRCh38, 1-based): chr15:89,632,900, G>A on the plus strand (C>T on the coding strand, the complement: KIF7 is on the minus strand). VCF-style: chr15-89632900-G-A. GRCh37 (hg19) VCF-style: chr15-90176131-G-A.
Other names: short protein forms R939W.
Identifiers: ClinVar variation 531998 (VCV000531998.17), dbSNP rs142786336, ClinGen allele CA7727940.